The following is an entry in ClinVar:

ClinVar aggregate classification (germline): Benign (1 of 4 stars; one submission).

Submission:

CeGaT Center for Human Genetics Tuebingen
Classification: Benign. Last evaluated: 2022-10-01. Review status: criteria provided, single submitter. Criteria: CeGaT Center For Human Genetics Tuebingen Variant Classification Criteria Version 2. Collection method: clinical testing. Allele origin: germline. Affected: yes. Observed: 14 variant alleles.
Comment: BRD4: BS1, BS2

NM_001379291.1(BRD4):c.2158+2707_2158+2713dup

Gene: BRD4 (bromodomain containing 4; minus strand). Cytogenetic location: 19p13.12.
Variant type: Duplication.
Coding change: c.2158+2707_2158+2713dup on transcript NM_001379291.1 (MANE Select); bases 2707 to 2713 of the intron after coding-DNA position 2158, 7 bases duplicated (CCCCCCC; older notation c.2158+2707_2158+2713dupCCCCCCC).
Molecular consequence: intron variant.
Genome position (GRCh38, 1-based): chr19:15,251,439-15,251,445, GGGGGGG duplicated on the plus strand (CCCCCCC on the coding strand, the reverse complement: BRD4 is on the minus strand); duplicating any 7 consecutive bases within chr19:15,251,439-15,251,455 gives the same sequence; the c. name uses the placement nearest the transcript's 3' end. VCF-style (leftmost placement, unchanged base first): chr19-15251438-C-CGGGGGGG. GRCh37 (hg19) VCF-style: chr19-15362249-C-CGGGGGGG.
Other names: c.2158+2707_2158+2713dup (NM_058243.3); c.2159-2155_2159-2149dup (NM_001379292.1, NM_014299.3).
Identifiers: ClinVar variation 1711471 (VCV001711471.30), dbSNP rs1197390019, ClinGen allele CA920067018.